The following is an entry in ClinVar:

ClinVar aggregate classification (germline): Likely benign (1 of 4 stars; one submission).

Conditions:
EPPK1-related disorder. Also called: EPPK1-related condition.

Submission:

PreventionGenetics, part of Exact Sciences
Classification: Likely benign for EPPK1-related condition. Last evaluated: 2026-07-29. Review status: criteria provided, single submitter. Criteria: ACMG Guidelines, 2015. Collection method: clinical testing. Allele origin: germline.
Comment: This variant is classified as likely benign based on ACMG/AMP sequence variant interpretation guidelines (Richards et al. 2015 PMID: 25741868, with internal and published modifications).

NM_031308.4(EPPK1):c.7023C>A (p.Ala2341=)

Gene: EPPK1 (epiplakin 1; minus strand). Cytogenetic location: 8q24.3.
Variant type: single nucleotide variant.
Coding change: c.7023C>A on transcript NM_031308.4 (MANE Select); coding-DNA position 7023, C replaced by A.
Protein change: p.Ala2341=; no amino-acid change (alanine 2341 retained).
Molecular consequence: synonymous variant.
Genome position (GRCh38, 1-based): chr8:143,866,231, G>T on the plus strand (C>A on the coding strand, the complement: EPPK1 is on the minus strand). VCF-style: chr8-143866231-G-T.
Identifiers: ClinVar variation 4993898 (VCV004993898.1).